The following is an entry in ClinVar:

NM_053025.4(MYLK):c.1922C>T (p.Thr641Ile)

Gene: MYLK (myosin light chain kinase; minus strand). Cytogenetic location: 3q21.1.
Variant type: single nucleotide variant.
Coding change: c.1922C>T on transcript NM_053025.4 (MANE Select); coding-DNA position 1922, C replaced by T.
Protein change: p.Thr641Ile; replaces threonine 641 with isoleucine.
Molecular consequence: missense variant.
Genome position (GRCh38, 1-based): chr3:123,709,776, G>A on the plus strand (C>T on the coding strand, the complement: MYLK is on the minus strand). VCF-style: chr3-123709776-G-A. GRCh37 (hg19) VCF-style: chr3-123428623-G-A.
Other names: c.1394C>T, p.Thr465Ile (NM_001321309.2); c.1715C>T, p.Thr572Ile (NM_053026.4, NM_053028.4); c.1922C>T, p.Thr641Ile (NM_053027.4); short protein forms T465I, T641I, T572I.
Identifiers: ClinVar variation 3641106 (VCV003641106.2).

ClinVar aggregate classification (germline): Uncertain significance (1 of 4 stars; one submission).

Conditions:
Aortic aneurysm, familial thoracic 7 (AAT7). Also called: AORTIC DISSECTION, FAMILIAL, WITH OR WITHOUT AORTIC ANEURYSM. Identifiers: MedGen C3151077, MONDO:0013418, OMIM 613780.

Submission:

Labcorp Genetics (formerly Invitae), Labcorp
Classification: Uncertain significance for Aortic aneurysm, familial thoracic 7. Last evaluated: 2025-07-25. Review status: criteria provided, single submitter. Criteria: Invitae Variant Classification Sherloc (09022015). Collection method: clinical testing. Allele origin: germline.
Comment: This sequence change replaces threonine, which is neutral and polar, with isoleucine, which is neutral and non-polar, at codon 641 of the MYLK protein (p.Thr641Ile). This variant is not present in population databases (gnomAD no frequency). This variant has not been reported in the literature in individuals affected with MYLK-related conditions. ClinVar contains an entry for this variant (Variation ID: 3641106). Invitae Evidence Modeling of protein sequence and biophysical properties (such as structural, functional, and spatial information, amino acid conservation, physicochemical variation, residue mobility, and thermodynamic stability) indicates that this missense variant is not expected to disrupt MYLK protein function with a negative predictive value of 80%. In summary, the available evidence is currently insufficient to determine the role of this variant in disease. Therefore, it has been classified as a Variant of Uncertain Significance.